The following is an entry in ClinVar:

ClinVar aggregate classification (germline): Conflicting classifications of pathogenicity. Review status: criteria provided, conflicting classifications (1 of 4 stars). 2 submissions from 2 submitters: Uncertain significance (1); Likely benign (1). Last evaluated 2025-09-10.

Conditions:
Cardiovascular phenotype. Identifiers: MedGen CN230736.
Catecholaminergic polymorphic ventricular tachycardia 1. Also called: VENTRICULAR TACHYCARDIA, CATECHOLAMINERGIC POLYMORPHIC, 1, WITH OR WITHOUT ATRIAL DYSFUNCTION AND/OR DILATED CARDIOMYOPATHY; VENTRICULAR TACHYCARDIA, STRESS-INDUCED POLYMORPHIC 1; RYR2-Related Catecholaminergic Polymorphic Ventricular Tachycardia. Identifiers: Orphanet 3286, MedGen C1631597, MONDO:0011484, OMIM 604772.

Allele frequency attached by ClinVar (database versions not stated): gnomAD exomes below 0.00001; ExAC 0.00001; gnomAD 0.00001; TOPMed 0.00001; ESP Exome Variant Server 0.00008.
gnomAD v4.1: 1 of 1,605,142 alleles (0.000062%); highest among the groups gnomAD compares: African/African-American, 0.0013%; no homozygotes.

Submissions (2):

Labcorp Genetics (formerly Invitae), Labcorp
Classification: Likely benign for Catecholaminergic polymorphic ventricular tachycardia 1. Last evaluated: 2025-09-10. Review status: criteria provided, single submitter. Criteria: Invitae Variant Classification Sherloc (09022015). Collection method: clinical testing. Allele origin: germline.

Ambry Genetics
Classification: Uncertain significance for Cardiovascular phenotype. Last evaluated: 2020-07-01. Review status: criteria provided, single submitter. Criteria: Ambry Variant Classification Scheme 2023. Collection method: clinical testing. Allele origin: germline.
Comment: The p.Y2939C variant (also known as c.8816A>G), located in coding exon 60 of the RYR2 gene, results from an A to G substitution at nucleotide position 8816. The tyrosine at codon 2939 is replaced by cysteine, an amino acid with highly dissimilar properties. This amino acid position is not well conserved in available vertebrate species. In addition, the in silico prediction for this alteration is inconclusive. Since supporting evidence is limited at this time, the clinical significance of this alteration remains unclear.

NM_001035.3(RYR2):c.8816A>G (p.Tyr2939Cys)

Gene: RYR2 (ryanodine receptor 2; plus strand). Cytogenetic location: 1q43.
Variant type: single nucleotide variant.
Coding change: c.8816A>G on transcript NM_001035.3 (MANE Select); coding-DNA position 8816, A replaced by G.
Protein change: p.Tyr2939Cys; replaces tyrosine 2939 with cysteine.
Molecular consequence: missense variant.
Genome position (GRCh38, 1-based): chr1:237,674,832, A>G. VCF-style: chr1-237674832-A-G. GRCh37 (hg19) VCF-style: chr1-237838132-A-G.
Other names: short protein forms Y2939C.
Identifiers: ClinVar variation 1392489 (VCV001392489.9), dbSNP rs375408791, ClinGen allele CA087731.
Genomic context (GRCh38, chr1:237,674,832, plus strand): 5'-AACGATTTGCCTATAGTTTCCTCCAACAACTCATTCGCTATGTGGATGAAGCCCATCAGT[A>G]TATCCTGGAGTTTGGTAGGTACCATAGTCCCATTGCTAATAGCCCAGTGTTTGTTGTTTT-3'
Protein context (NP_001026.2, residues 2929-2949): LIRYVDEAHQ[Tyr2939Cys]ILEFDGGSRG